The following is an entry in ClinVar:

ClinVar aggregate classification (germline): Uncertain significance (1 of 4 stars; one submission).

Conditions:
Nephrolithiasis/nephrocalcinosis. Identifiers: MedGen CN580796.

Submission:

Ambry Genetics
Classification: Uncertain significance for Nephrolithiasis/nephrocalcinosis. Last evaluated: 2022-06-14. Review status: criteria provided, single submitter. Criteria: Ambry Variant Classification Scheme 2023. Collection method: clinical testing. Allele origin: germline.
Comment: The p.E481G variant (also known as c.1442A>G), located in coding exon 4 of the CASR gene, results from an A to G substitution at nucleotide position 1442. The glutamic acid at codon 481 is replaced by glycine, an amino acid with similar properties. This amino acid position is conserved. In addition, the in silico prediction for this alteration is inconclusive. Since supporting evidence is limited at this time, the clinical significance of this alteration remains unclear.

NM_000388.4(CASR):c.1442A>G (p.Glu481Gly)

Gene: CASR (calcium sensing receptor; plus strand). Cytogenetic location: 3q21.1.
Variant type: single nucleotide variant.
Coding change: c.1442A>G on transcript NM_000388.4 (MANE Select); coding-DNA position 1442, A replaced by G.
Protein change: p.Glu481Gly; replaces glutamic acid 481 with glycine.
Molecular consequence: missense variant.
Genome position (GRCh38, 1-based): chr3:122,275,876, A>G. VCF-style: chr3-122275876-A-G. GRCh37 (hg19) VCF-style: chr3-121994723-A-G.
Other names: c.1442A>G, p.Glu481Gly (NM_001178065.2); short protein forms E481G.
Identifiers: ClinVar variation 1772724 (VCV001772724.2), dbSNP rs2473257717, ClinGen allele CA354155044.
Genomic context (GRCh38, chr3:122,275,876, plus strand): 5'-TGAAGCACCTACGGCATCTAAACTTTACAAACAATATGGGGGAGCAGGTGACCTTTGATG[A>G]GTGTGGTGACCTGGTGGGGAACTATTCCATCATCAACTGGCACCTCTCCCCAGAGGATGG-3'
Protein context (NP_000379.3, residues 471-491): NNMGEQVTFD[Glu481Gly]CGDLVGNYSI